The following is an entry in ClinVar:

NM_206933.4(USH2A):c.4461G>A (p.Trp1487Ter)

Gene: USH2A (usherin; minus strand). Cytogenetic location: 1q41.
Variant type: single nucleotide variant.
Coding change: c.4461G>A on transcript NM_206933.4 (MANE Select); coding-DNA position 4461, G replaced by A.
Protein change: p.Trp1487Ter; replaces tryptophan 1487 with a stop codon.
Molecular consequence: nonsense.
Genome position (GRCh38, 1-based): chr1:216,175,418, C>T on the plus strand (G>A on the coding strand, the complement: USH2A is on the minus strand). VCF-style: chr1-216175418-C-T. GRCh37 (hg19) VCF-style: chr1-216348760-C-T.
Other names: c.4461G>A, p.Trp1487Ter (NM_007123.6); short protein forms W1487*.
Identifiers: ClinVar variation 4062784 (VCV004062784.2).
Genomic context (GRCh38, chr1:216,175,418, plus strand): 5'-TGACTCTCTCCTTTCCAGCTGATATATAGGAGAGGGTCCATTCAGTTCTTCAGGTGGAAA[C>T]CACCTAAGATGGATTGTTGTGCTGTTGATTCCTTTAACCAGAGGTGGCCTCAGTTGTGCT-3'

ClinVar aggregate classification (germline): Likely pathogenic (1 of 4 stars; one submission).

Conditions:
Usher syndrome type 2A. Also called: RETINAL DISEASE IN USHER SYNDROME TYPE IIA, MODIFIER OF; USHER SYNDROME, TYPE IIA. Identifiers: Orphanet 231178, Orphanet 886, MedGen C1848634, MONDO:0010169, OMIM 276901.

gnomAD v4.1: 1 of 1,613,802 alleles (0.000062%); highest among the groups gnomAD compares: Non-Finnish European, 0.000085%; no homozygotes.

Submission:

Natera, Inc.
Classification: Likely pathogenic for Usher syndrome type 2A. Last evaluated: 2025-02-18. Review status: criteria provided, single submitter. Criteria: Natera Variant Classification Schema (03/2026). Collection method: clinical testing. Allele origin: germline.
Comment: The c.4461G>A variant in USH2A is a nonsense variant predicted to introduce a stop codon at amino acid 1487. This variant is expected to result in nonsense mediated decay, truncation, or a dysfunctional protein product. This variant is rare in the general population with a frequency below the threshold expected for the associated phenotype(s). Given the available evidence, this variant is classified as Likely Pathogenic.